The following is an entry in ClinVar:

ClinVar aggregate classification (germline): Uncertain significance (1 of 4 stars; one submission).

Conditions:
Duchenne muscular dystrophy (DMD). Also called: MUSCULAR DYSTROPHY, PSEUDOHYPERTROPHIC PROGRESSIVE, DUCHENNE TYPE; Duchenne Muscular Dystrophy (DMD). Identifiers: Orphanet 98896, MedGen C0013264, MONDO:0010679, OMIM 310200.

Submission:

Labcorp Genetics (formerly Invitae), Labcorp
Classification: Uncertain significance for Duchenne muscular dystrophy. Last evaluated: 2021-08-20. Review status: criteria provided, single submitter. Criteria: Invitae Variant Classification Sherloc (09022015). Collection method: clinical testing. Allele origin: germline.
Comment: This sequence change replaces tryptophan with arginine at codon 812 of the DMD protein (p.Trp812Arg). The tryptophan residue is highly conserved and there is a moderate physicochemical difference between tryptophan and arginine. This variant is not present in population databases (ExAC no frequency). This variant has not been reported in the literature in individuals affected with DMD-related conditions. Algorithms developed to predict the effect of missense changes on protein structure and function (SIFT, PolyPhen-2, Align-GVGD) all suggest that this variant is likely to be disruptive. In summary, the available evidence is currently insufficient to determine the role of this variant in disease. Therefore, it has been classified as a Variant of Uncertain Significance.

NM_004006.3(DMD):c.2434T>A (p.Trp812Arg)

Gene: DMD (dystrophin; minus strand). Cytogenetic location: Xp21.1.
Variant type: single nucleotide variant.
Coding change: c.2434T>A on transcript NM_004006.3 (MANE Select); coding-DNA position 2434, T replaced by A.
Protein change: p.Trp812Arg; replaces tryptophan 812 with arginine.
Molecular consequence: missense variant.
Genome position (GRCh38, 1-based): chrX:32,491,465, A>T on the plus strand (T>A on the coding strand, the complement: DMD is on the minus strand). VCF-style: chrX-32491465-A-T. GRCh37 (hg19) VCF-style: chrX-32509582-A-T.
Other names: c.2410T>A, p.Trp804Arg (NM_000109.4); c.2422T>A, p.Trp808Arg (NM_004009.3); c.2065T>A, p.Trp689Arg (NM_004010.3); short protein forms W812R, W689R, W808R, W804R.
Identifiers: ClinVar variation 455880 (VCV000455880.3), dbSNP rs1557383723, ClinGen allele CA412672793.